The following is an entry in ClinVar:

ClinVar aggregate classification (germline): Uncertain significance (1 of 4 stars; one submission).

Allele frequency attached by ClinVar (database versions not stated): gnomAD 0.00003.
gnomAD v4.1: 18 of 1,553,038 alleles (0.0012%); highest among the groups gnomAD compares: Non-Finnish European, 0.0016%; no homozygotes.

Submission:

Labcorp Genetics (formerly Invitae), Labcorp
Classification: Uncertain significance. Last evaluated: 2021-02-15. Review status: criteria provided, single submitter. Criteria: Invitae Variant Classification Sherloc (09022015). Collection method: clinical testing. Allele origin: germline.
Comment: Algorithms developed to predict the effect of missense changes on protein structure and function (SIFT, PolyPhen-2, Align-GVGD) all suggest that this variant is likely to be tolerated, but these predictions have not been confirmed by published functional studies and their clinical significance is uncertain. In summary, the available evidence is currently insufficient to determine the role of this variant in disease. Therefore, it has been classified as a Variant of Uncertain Significance. This variant has not been reported in the literature in individuals with PACS2-related conditions. This variant is not present in population databases (ExAC no frequency). This sequence change replaces threonine with arginine at codon 357 of the PACS2 protein (p.Thr357Arg). The threonine residue is moderately conserved and there is a moderate physicochemical difference between threonine and arginine.

NM_001100913.3(PACS2):c.1070C>G (p.Thr357Arg)

Gene: PACS2 (phosphofurin acidic cluster sorting protein 2; plus strand). Cytogenetic location: 14q32.33.
Variant type: single nucleotide variant.
Coding change: c.1070C>G on transcript NM_001100913.3 (MANE Select); coding-DNA position 1070, C replaced by G.
Protein change: p.Thr357Arg; replaces threonine 357 with arginine.
Molecular consequence: missense variant.
Genome position (GRCh38, 1-based): chr14:105,380,099, C>G. VCF-style: chr14-105380099-C-G. GRCh37 (hg19) VCF-style: chr14-105846436-C-G.
Other names: c.845C>G, p.Thr282Arg (NM_001243127.3); c.1070C>G, p.Thr357Arg (NM_015197.4); short protein forms T282R, T357R.
Identifiers: ClinVar variation 1500160 (VCV001500160.8), dbSNP rs782633525, ClinGen allele CA391180610.